The following is an entry in ClinVar:

ClinVar aggregate classification (germline): Uncertain significance (1 of 4 stars; one submission).

Conditions:
Very long chain acyl-CoA dehydrogenase deficiency (ACADVLD). Also called: VLCAD Deficiency; Very Long-Chain Acyl-Coenzyme A Dehydrogenase Deficiency. Identifiers: Orphanet 26793, MedGen C3887523, MONDO:0008723, OMIM 201475.

Submission:

Labcorp Genetics (formerly Invitae), Labcorp
Classification: Uncertain significance for Very long chain acyl-CoA dehydrogenase deficiency. Last evaluated: 2025-02-05. Review status: criteria provided, single submitter. Criteria: Invitae Variant Classification Sherloc (09022015). Collection method: clinical testing. Allele origin: germline.
Comment: This sequence change replaces asparagine, which is neutral and polar, with lysine, which is basic and polar, at codon 95 of the ACADVL protein (p.Asn95Lys). This variant is not present in population databases (gnomAD no frequency). This variant has not been reported in the literature in individuals affected with ACADVL-related conditions. ClinVar contains an entry for this variant (Variation ID: 1954506). Invitae Evidence Modeling of protein sequence and biophysical properties (such as structural, functional, and spatial information, amino acid conservation, physicochemical variation, residue mobility, and thermodynamic stability) indicates that this missense variant is not expected to disrupt ACADVL protein function with a negative predictive value of 80%. In summary, the available evidence is currently insufficient to determine the role of this variant in disease. Therefore, it has been classified as a Variant of Uncertain Significance.

NM_000018.4(ACADVL):c.285C>A (p.Asn95Lys)

Gene: ACADVL (acyl-CoA dehydrogenase very long chain; plus strand). Cytogenetic location: 17p13.1.
Variant type: single nucleotide variant.
Coding change: c.285C>A on transcript NM_000018.4 (MANE Select); coding-DNA position 285, C replaced by A.
Protein change: p.Asn95Lys; replaces asparagine 95 with lysine.
Molecular consequence: missense variant.
Genome position (GRCh38, 1-based): chr17:7,220,773, C>A. VCF-style: chr17-7220773-C-A. GRCh37 (hg19) VCF-style: chr17-7124092-C-A.
Other names: c.219C>A, p.Asn73Lys (NM_001033859.3); c.354C>A, p.Asn118Lys (NM_001270447.2); c.57C>A, p.Asn19Lys (NM_001270448.2); short protein forms N73K, N95K, N19K, N118K.
Identifiers: ClinVar variation 1954506 (VCV001954506.3), dbSNP rs769723013, ClinGen allele CA397722503.